The following is an entry in ClinVar:

NM_001372.4(DNAH9):c.4218G>A (p.Ala1406=)

Gene: DNAH9 (dynein axonemal heavy chain 9; plus strand). Cytogenetic location: 17p12.
Variant type: single nucleotide variant.
Coding change: c.4218G>A on transcript NM_001372.4 (MANE Select); coding-DNA position 4218, G replaced by A.
Protein change: p.Ala1406=; no amino-acid change (alanine 1406 retained).
Molecular consequence: synonymous variant.
Genome position (GRCh38, 1-based): chr17:11,690,040, G>A. VCF-style: chr17-11690040-G-A. GRCh37 (hg19) VCF-style: chr17-11593357-G-A.
Other names: c.4218G>A (NM_001372.3).
Identifiers: ClinVar variation 1619983 (VCV001619983.11), dbSNP rs140079277, ClinGen allele CA8395623.
Genomic context (GRCh38, chr17:11,690,040, plus strand): 5'-GAGGCAGCTGATGCAGGCCACCGGTGTGAGCTTCACTATGGACCAGGACACCACCCTAGC[G>A]CACCTGCTGCAGCTCCAGCTGCACCACTATGAGGATGAGGTCCGGGGCATTGTGGACAAA-3'
Protein context (NP_001363.2, residues 1396-1416): SFTMDQDTTL[Ala1406=]HLLQLQLHHY

ClinVar aggregate classification (germline): Benign/Likely benign. Review status: criteria provided, multiple submitters, no conflicts (2 of 4 stars). 3 submissions from 3 submitters: Benign (1); Likely benign (1). 1 of the submissions does not count toward it. Last evaluated 2026-01-19.

Conditions:
DNAH9-related disorder. Also called: DNAH9-related condition.

Allele frequency attached by ClinVar (database versions not stated): gnomAD exomes 0.00036 and 0.00080; ExAC 0.00105; gnomAD 0.00287 and 0.00309; TOPMed 0.00339; 1000 Genomes Project 30x 0.00359; ESP Exome Variant Server 0.00369; 1000 Genomes Project 0.00379.
gnomAD v4.1: 979 of 1,614,154 alleles (0.061%); highest among the groups gnomAD compares: African/African-American, 1%; 4 homozygotes.

Submissions (3):

Labcorp Genetics (formerly Invitae), Labcorp
Classification: Benign. Last evaluated: 2026-01-19. Review status: criteria provided, single submitter. Criteria: Invitae Variant Classification Sherloc (09022015). Collection method: clinical testing. Allele origin: germline.

Blueprint Genetics
Classification: Likely benign. Last evaluated: 2024-06-19. Review status: criteria provided, single submitter. Criteria: ACMG Guidelines, 2015. Collection method: clinical testing. Allele origin: germline.

PreventionGenetics, part of Exact Sciences
Classification: Benign for DNAH9-related condition. Last evaluated: 2019-08-01. Review status: no assertion criteria provided. Collection method: clinical testing. Allele origin: germline. Not counted in ClinVar's aggregate classification.
Comment: This variant is classified as benign based on ACMG/AMP sequence variant interpretation guidelines (Richards et al. 2015 PMID: 25741868, with internal and published modifications).